The following is an entry in ClinVar:

NM_001199799.2(ILDR1):c.656G>A (p.Arg219His)

Gene: ILDR1 (immunoglobulin like domain containing receptor 1; minus strand). Cytogenetic location: 3q13.33.
Variant type: single nucleotide variant.
Coding change: c.656G>A on transcript NM_001199799.2 (MANE Select); coding-DNA position 656, G replaced by A.
Protein change: p.Arg219His; replaces arginine 219 with histidine.
Molecular consequence: missense variant. On other transcripts: intron variant (1).
Genome position (GRCh38, 1-based): chr3:121,994,304, C>T on the plus strand (G>A on the coding strand, the complement: ILDR1 is on the minus strand). VCF-style: chr3-121994304-C-T. GRCh37 (hg19) VCF-style: chr3-121713151-C-T.
Other names: c.389G>A, p.Arg130His (NM_001199800.2); c.647-334G>A (NM_175924.4); short protein forms R130H, R219H.
Identifiers: ClinVar variation 1700797 (VCV001700797.8), dbSNP rs774951852, ClinGen allele CA82735962.

ClinVar aggregate classification (germline): Uncertain significance. Review status: criteria provided, multiple submitters, no conflicts (2 of 4 stars). 3 submissions from 3 submitters: Uncertain significance (3). Last evaluated 2025-06-03.

Conditions:
Inborn genetic diseases. Identifiers: MedGen C0950123, MeSH D030342.

Allele frequency attached by ClinVar (database versions not stated): gnomAD exomes 0.00015; gnomAD 0.00019 and 0.00021; TOPMed 0.00022.
gnomAD v4.1: 102 of 1,533,294 alleles (0.0067%); highest among the groups gnomAD compares: African/African-American, 0.055%; no homozygotes.

Submissions (3):

GeneDx
Classification: Uncertain significance. Last evaluated: 2025-06-03. Review status: criteria provided, single submitter. Criteria: GeneDx Variant Classification Process June 2021. Collection method: clinical testing. Allele origin: germline. Affected: yes.
Comment: In silico analysis suggests that this missense variant does not alter protein structure/function; Has not been previously published as pathogenic or benign to our knowledge

Labcorp Genetics (formerly Invitae), Labcorp
Classification: Uncertain significance. Last evaluated: 2022-06-25. Review status: criteria provided, single submitter. Criteria: Invitae Variant Classification Sherloc (09022015). Collection method: clinical testing. Allele origin: germline.
Comment: In summary, the available evidence is currently insufficient to determine the role of this variant in disease. Therefore, it has been classified as a Variant of Uncertain Significance. Algorithms developed to predict the effect of missense changes on protein structure and function output the following: SIFT: "Deleterious"; PolyPhen-2: "Benign"; Align-GVGD: "Class C0". The histidine amino acid residue is found in multiple mammalian species, which suggests that this missense change does not adversely affect protein function. This variant has not been reported in the literature in individuals affected with ILDR1-related conditions. This variant is present in population databases (rs774951852, gnomAD 0.06%). This sequence change replaces arginine, which is basic and polar, with histidine, which is basic and polar, at codon 219 of the ILDR1 protein (p.Arg219His).

Ambry Genetics
Classification: Uncertain significance for Inborn genetic diseases. Last evaluated: 2021-10-21. Review status: criteria provided, single submitter. Criteria: Ambry Variant Classification Scheme 2023. Collection method: clinical testing. Allele origin: germline.